The following is an entry in ClinVar:

ClinVar aggregate classification (germline): Uncertain significance (1 of 4 stars; one submission).

Conditions:
Norman-Roberts syndrome (LIS2). Also called: Lissencephaly 2 (Norman-Roberts type). Identifiers: Orphanet 89844, MedGen C0796089, MONDO:0009760, OMIM 257320.
Familial temporal lobe epilepsy 7. Identifiers: Orphanet 101046, MedGen C4225327, MONDO:0014639, OMIM 616436.

Submission:

Labcorp Genetics (formerly Invitae), Labcorp
Classification: Uncertain significance for Familial temporal lobe epilepsy 7; Norman-Roberts syndrome. Last evaluated: 2024-05-21. Review status: criteria provided, single submitter. Criteria: Invitae Variant Classification Sherloc (09022015). Collection method: clinical testing. Allele origin: germline.
Comment: This sequence change replaces isoleucine, which is neutral and non-polar, with valine, which is neutral and non-polar, at codon 576 of the RELN protein (p.Ile576Val). This variant is not present in population databases (gnomAD no frequency). This variant has not been reported in the literature in individuals affected with RELN-related conditions. Advanced modeling of protein sequence and biophysical properties (such as structural, functional, and spatial information, amino acid conservation, physicochemical variation, residue mobility, and thermodynamic stability) performed at Invitae indicates that this missense variant is not expected to disrupt RELN protein function with a negative predictive value of 80%. In summary, the available evidence is currently insufficient to determine the role of this variant in disease. Therefore, it has been classified as a Variant of Uncertain Significance.

NM_005045.4(RELN):c.1726A>G (p.Ile576Val)

Gene: RELN (reelin; minus strand). Cytogenetic location: 7q22.1.
Variant type: single nucleotide variant.
Coding change: c.1726A>G on transcript NM_005045.4 (MANE Select); coding-DNA position 1726, A replaced by G.
Protein change: p.Ile576Val; replaces isoleucine 576 with valine.
Molecular consequence: missense variant.
Genome position (GRCh38, 1-based): chr7:103,652,588, T>C on the plus strand (A>G on the coding strand, the complement: RELN is on the minus strand). VCF-style: chr7-103652588-T-C. GRCh37 (hg19) VCF-style: chr7-103293035-T-C.
Other names: c.1726A>G, p.Ile576Val (NM_173054.3); short protein forms I576V.
Identifiers: ClinVar variation 3754916 (VCV003754916.2).
Genomic context (GRCh38, chr7:103,652,588, plus strand): 5'-ACTTACAAAATAGGGCTTCCTACCTGTTACCAGGCTGATGCGTTCCACATCCCAGATTGA[T>C]GGAAAACTGTATCATGTGAGACATTGTAGAAGGGAGAACAGGCAAGACATGGAAAAAGTC-3'
Protein context (NP_005036.2, residues 566-586): STMSHMIQFS[Ile576Val]NLGCGTHQPG